The following is an entry in ClinVar:

NM_006904.7(PRKDC):c.3680G>T (p.Gly1227Val)

Gene: PRKDC (protein kinase, DNA-activated, catalytic subunit; minus strand). Cytogenetic location: 8q11.21.
Variant type: single nucleotide variant.
Coding change: c.3680G>T on transcript NM_006904.7 (MANE Select); coding-DNA position 3680, G replaced by T.
Protein change: p.Gly1227Val; replaces glycine 1227 with valine.
Molecular consequence: missense variant.
Genome position (GRCh38, 1-based): chr8:47,893,306, C>A on the plus strand (G>T on the coding strand, the complement: PRKDC is on the minus strand). VCF-style: chr8-47893306-C-A. GRCh37 (hg19) VCF-style: chr8-48805866-C-A.
Other names: c.3680G>T, p.Gly1227Val (NM_001081640.2); short protein forms G1227V.
Identifiers: ClinVar variation 2624570 (VCV002624570.2), dbSNP rs767959125, ClinGen allele CA371150795.

ClinVar aggregate classification (germline): Uncertain significance (1 of 4 stars; one submission).

gnomAD v4.1: 2 of 1,606,858 alleles (0.00012%); highest among the groups gnomAD compares: African/African-American, 0.0013%; no homozygotes.

Submission:

Ambry Genetics
Classification: Uncertain significance. Last evaluated: 2023-08-13. Review status: criteria provided, single submitter. Criteria: Ambry Variant Classification Scheme 2023. Collection method: clinical testing. Allele origin: germline.
Comment: The p.G1227V variant (also known as c.3680G>T), located in coding exon 31 of the PRKDC gene, results from a G to T substitution at nucleotide position 3680. The glycine at codon 1227 is replaced by valine, an amino acid with dissimilar properties. This amino acid position is conserved. In addition, this alteration is predicted to be tolerated by in silico analysis. Since supporting evidence is limited at this time, the clinical significance of this alteration remains unclear.